The following is an entry in ClinVar:

ClinVar aggregate classification (germline): Uncertain significance. Review status: criteria provided, multiple submitters, no conflicts (2 of 4 stars). 2 submissions from 2 submitters: Uncertain significance (2). Last evaluated 2024-02-05.

Conditions:
Inborn genetic diseases. Identifiers: MedGen C0950123, MeSH D030342.

Submissions (2):

Labcorp Genetics (formerly Invitae), Labcorp
Classification: Uncertain significance. Last evaluated: 2024-02-05. Review status: criteria provided, single submitter. Criteria: Invitae Variant Classification Sherloc (09022015). Collection method: clinical testing. Allele origin: germline.
Comment: This sequence change replaces glutamine, which is neutral and polar, with histidine, which is basic and polar, at codon 169 of the ERCC8 protein (p.Gln169His). This variant is not present in population databases (gnomAD no frequency). This variant has not been reported in the literature in individuals affected with ERCC8-related conditions. ClinVar contains an entry for this variant (Variation ID: 1506113). Advanced modeling of protein sequence and biophysical properties (such as structural, functional, and spatial information, amino acid conservation, physicochemical variation, residue mobility, and thermodynamic stability) performed at Invitae indicates that this missense variant is not expected to disrupt ERCC8 protein function with a negative predictive value of 80%. In summary, the available evidence is currently insufficient to determine the role of this variant in disease. Therefore, it has been classified as a Variant of Uncertain Significance.

Ambry Genetics
Classification: Uncertain significance for Inborn genetic diseases. Last evaluated: 2021-07-06. Review status: criteria provided, single submitter. Criteria: Ambry Variant Classification Scheme 2023. Collection method: clinical testing. Allele origin: germline.

NM_000082.4(ERCC8):c.507A>C (p.Gln169His)

Gene: ERCC8 (ERCC excision repair 8, CSA ubiquitin ligase complex subunit; minus strand). Cytogenetic location: 5q12.1.
Variant type: single nucleotide variant.
Coding change: c.507A>C on transcript NM_000082.4 (MANE Select); coding-DNA position 507, A replaced by C.
Protein change: p.Gln169His; replaces glutamine 169 with histidine.
Molecular consequence: missense variant.
Genome position (GRCh38, 1-based): chr5:60,903,691, T>G on the plus strand (A>C on the coding strand, the complement: ERCC8 is on the minus strand). VCF-style: chr5-60903691-T-G. GRCh37 (hg19) VCF-style: chr5-60199518-T-G.
Other names: c.333A>C, p.Gln111His (NM_001007233.3); c.507A>C, p.Gln169His (NM_001007234.3); c.48A>C, p.Gln16His (NM_001290285.2); c.507A>C (NM_000082.3); short protein forms Q169H, Q16H, Q111H.
Identifiers: ClinVar variation 1506113 (VCV001506113.5), dbSNP rs959156200, ClinGen allele CA359826884.
Genomic context (GRCh38, chr5:60,903,691, plus strand): 5'-AAATAAAATAAAAATACCCTGTAGAATGTGAGAACAGGATCCAGACTTCAAGTCACAAAG[T>G]TGTACTTTGGGTCCTCTAGTACCAACTGTAAAAACAGAACCGGTTTAAGATAATTTTATC-3'
Protein context (NP_000073.1, residues 159-179): VAVGTRGPKV[Gln169His]LCDLKSGSCS